The following is an entry in ClinVar:

NM_000214.3(JAG1):c.1084delinsGGCTTTGA (p.Cys362fs)

Gene: JAG1 (jagged canonical Notch ligand 1; minus strand). Cytogenetic location: 20p12.2.
Variant type: Indel.
Coding change: c.1084delinsGGCTTTGA on transcript NM_000214.3 (MANE Select); coding-DNA position 1084, T replaced by GGCTTTGA.
Protein change: p.Cys362fs; shifts the reading frame from cysteine 362.
Molecular consequence: frameshift variant.
Genome position (GRCh38, 1-based): chr20:10,651,617, A replaced by TCAAAGCC on the plus strand (T replaced by GGCTTTGA on the coding strand, the reverse complement: JAG1 is on the minus strand). VCF-style: chr20-10651617-A-TCAAAGCC. GRCh37 (hg19) VCF-style: chr20-10632265-A-TCAAAGCC.
Other names: short protein forms C362fs.
Identifiers: ClinVar variation 968378 (VCV000968378.1), dbSNP rs2067346904, ClinGen allele CA1139665904.

ClinVar aggregate classification (germline): Pathogenic (1 of 4 stars; one submission).

Conditions:
Alagille syndrome due to a JAG1 point mutation. Also called: JAG1-Related Alagille Syndrome; HEPATIC DUCTULAR HYPOPLASIA, SYNDROMATIC; Alagille Syndrome 1. Identifiers: Orphanet 261619, Orphanet 52, MedGen C1956125, MONDO:0016862, OMIM 118450.

Submission:

Labcorp Genetics (formerly Invitae), Labcorp
Classification: Pathogenic for Alagille syndrome 1. Last evaluated: 2019-04-08. Review status: criteria provided, single submitter. Criteria: Invitae Variant Classification Sherloc (09022015). Collection method: clinical testing. Allele origin: germline.
Comment: This sequence change creates a premature translational stop signal (p.Cys362Glyfs*17) in the JAG1 gene. It is expected to result in an absent or disrupted protein product. This variant is not present in population databases (ExAC no frequency). This variant has not been reported in the literature in individuals with JAG1-related conditions. Loss-of-function variants in JAG1 are known to be pathogenic (PMID: 11180599). For these reasons, this variant has been classified as Pathogenic.